The following is an entry in ClinVar:

ClinVar aggregate classification (germline): Uncertain significance (1 of 4 stars; one submission).

Conditions:
Renpenning syndrome. Also called: MENTAL RETARDATION, X-LINKED 55; MENTAL RETARDATION, X-LINKED, SYNDROMIC 8; SUTHERLAND-HAAN X-LINKED MENTAL RETARDATION SYNDROME; GOLABI-ITO-HALL SYNDROME; Mental retardation, X-linked Renpenning type; X-linked mental retardation with spastic diplegia. Identifiers: Orphanet 3242, MedGen C0796135, MONDO:0010653, OMIM 309500.

Submission:

Clinical Genomics Laboratory, Washington University in St. Louis
Classification: Uncertain significance for Renpenning syndrome. Last evaluated: 2025-01-30. Review status: criteria provided, single submitter. Criteria: ACMG Guidelines, 2015. Collection method: clinical testing. Allele origin: germline.
Comment: The PQBP1 c.706G>A (p.Ala236Thr) variant, to our knowledge, has not been reported in the medical literature. This variant is only observed on 2 out of 1,203,004 alleles in the general population (gnomAD v.2.1.1), indicating it is not a common variant. Computational predictors are uncertain as to the impact of this variant on PQBP1 function. Due to limited information, and based on ACMG/AMP guidelines for variant interpretation (Richards S et al., PMID: 25741868), the clinical significance of this variant is uncertain at this time.

NM_001032382.2(PQBP1):c.706G>A (p.Ala236Thr)

Gene: PQBP1 (polyglutamine binding protein 1; plus strand). Cytogenetic location: Xp11.23.
Variant type: single nucleotide variant.
Coding change: c.706G>A on transcript NM_001032382.2 (MANE Select); coding-DNA position 706, G replaced by A.
Protein change: p.Ala236Thr; replaces alanine 236 with threonine.
Molecular consequence: missense variant.
Genome position (GRCh38, 1-based): chrX:48,902,992, G>A. VCF-style: chrX-48902992-G-A. GRCh37 (hg19) VCF-style: chrX-48760269-G-A.
Other names: c.706G>A, p.Ala236Thr (NM_001032381.2, NM_001032383.2, NM_001032384.1 and 1 more transcripts); c.703G>A, p.Ala235Thr (NM_001167989.2); c.682G>A, p.Ala228Thr (NM_001167990.2); c.406G>A, p.Ala136Thr (NM_001167992.1); c.421G>A, p.Ala141Thr (NM_001437502.1, NM_144495.3); short protein forms A136T, A141T, A228T, A235T, A236T.
Identifiers: ClinVar variation 4279925 (VCV004279925.1).